The following is an entry in ClinVar:

ClinVar aggregate classification (germline): Uncertain significance (1 of 4 stars; one submission).

Submission:

Labcorp Genetics (formerly Invitae), Labcorp
Classification: Uncertain significance. Last evaluated: 2022-06-27. Review status: criteria provided, single submitter. Criteria: Invitae Variant Classification Sherloc (09022015). Collection method: clinical testing. Allele origin: germline.
Comment: This variant is not present in population databases (gnomAD no frequency). In summary, the available evidence is currently insufficient to determine the role of this variant in disease. Therefore, it has been classified as a Variant of Uncertain Significance. Algorithms developed to predict the effect of missense changes on protein structure and function are either unavailable or do not agree on the potential impact of this missense change (SIFT: "Deleterious"; PolyPhen-2: "Benign"; Align-GVGD: "Class C0"). This variant has not been reported in the literature in individuals affected with TUBGCP6-related conditions. This sequence change replaces aspartic acid, which is acidic and polar, with glutamic acid, which is acidic and polar, at codon 928 of the TUBGCP6 protein (p.Asp928Glu).

NM_020461.4(TUBGCP6):c.2784C>A (p.Asp928Glu)

Gene: TUBGCP6 (tubulin gamma complex component 6; minus strand). Cytogenetic location: 22q13.33.
Variant type: single nucleotide variant.
Coding change: c.2784C>A on transcript NM_020461.4 (MANE Select); coding-DNA position 2784, C replaced by A.
Protein change: p.Asp928Glu; replaces aspartic acid 928 with glutamic acid.
Molecular consequence: missense variant.
Genome position (GRCh38, 1-based): chr22:50,221,575, G>T on the plus strand (C>A on the coding strand, the complement: TUBGCP6 is on the minus strand). VCF-style: chr22-50221575-G-T. GRCh37 (hg19) VCF-style: chr22-50660004-G-T.
Other names: short protein forms D928E.
Identifiers: ClinVar variation 1969784 (VCV001969784.5), dbSNP rs1283720447, ClinGen allele CA412186825.